The following is an entry in ClinVar:

NM_015466.4(PTPN23):c.2074C>T (p.Arg692Cys)

Gene: PTPN23 (protein tyrosine phosphatase non-receptor type 23; plus strand). Cytogenetic location: 3p21.31.
Variant type: single nucleotide variant.
Coding change: c.2074C>T on transcript NM_015466.4 (MANE Select); coding-DNA position 2074, C replaced by T.
Protein change: p.Arg692Cys; replaces arginine 692 with cysteine.
Molecular consequence: missense variant.
Genome position (GRCh38, 1-based): chr3:47,409,779, C>T. VCF-style: chr3-47409779-C-T. GRCh37 (hg19) VCF-style: chr3-47451269-C-T.
Other names: c.1696C>T, p.Arg566Cys (NM_001304482.2); short protein forms R566C, R692C.
Identifiers: ClinVar variation 1441134 (VCV001441134.11), dbSNP rs531510250, ClinGen allele CA2365904.

ClinVar aggregate classification (germline): Uncertain significance. Review status: criteria provided, multiple submitters, no conflicts (2 of 4 stars). 3 submissions from 3 submitters: Uncertain significance (3). Last evaluated 2024-10-29.

Conditions:
Inborn genetic diseases. Identifiers: MedGen C0950123, MeSH D030342.

Allele frequency attached by ClinVar (database versions not stated): ExAC 0.00003; gnomAD exomes 0.00003 and 0.00004; gnomAD 0.00015; TOPMed 0.00031.
gnomAD v4.1: 89 of 1,607,958 alleles (0.0055%); highest among the groups gnomAD compares: Admixed American, 0.035%; 1 homozygote.

Submissions (3):

Labcorp Genetics (formerly Invitae), Labcorp
Classification: Uncertain significance. Last evaluated: 2024-10-29. Review status: criteria provided, single submitter. Criteria: Invitae Variant Classification Sherloc (09022015). Collection method: clinical testing. Allele origin: germline.
Comment: This sequence change replaces arginine, which is basic and polar, with cysteine, which is neutral and slightly polar, at codon 692 of the PTPN23 protein (p.Arg692Cys). This variant is present in population databases (rs531510250, gnomAD 0.01%). This variant has not been reported in the literature in individuals affected with PTPN23-related conditions. ClinVar contains an entry for this variant (Variation ID: 1441134). Experimental studies and prediction algorithms are not available or were not evaluated, and the functional significance of this variant is currently unknown. In summary, the available evidence is currently insufficient to determine the role of this variant in disease. Therefore, it has been classified as a Variant of Uncertain Significance.

GeneDx
Classification: Uncertain significance. Last evaluated: 2024-08-09. Review status: criteria provided, single submitter. Criteria: GeneDx Variant Classification Process June 2021. Collection method: clinical testing. Allele origin: germline. Affected: yes.
Comment: In silico analysis supports that this missense variant has a deleterious effect on protein structure/function; Has not been previously published as pathogenic or benign to our knowledge

Ambry Genetics
Classification: Uncertain significance for Inborn genetic diseases. Last evaluated: 2024-03-01. Review status: criteria provided, single submitter. Criteria: Ambry Variant Classification Scheme 2023. Collection method: clinical testing. Allele origin: germline.